The following is an entry in ClinVar:

ClinVar aggregate classification (germline): Pathogenic/Likely pathogenic. Review status: criteria provided, multiple submitters, no conflicts (2 of 4 stars). 3 submissions from 3 submitters: Pathogenic (2); Likely pathogenic (1). Last evaluated 2025-04-01.

Conditions:
Proteinuria, chronic benign. Identifiers: MedGen C5394384, MONDO:0030042, OMIM 618884.
Imerslund-Grasbeck syndrome type 1 (IGS1). Also called: Megaloblastic anemia 1, Finnish type; MEGALOBLASTIC ANEMIA, 1; Imerslund-Gräsbeck syndrome 1. Identifiers: MedGen C4016819, MONDO:0100156, OMIM 261100.
Imerslund-Grasbeck syndrome. Also called: PERNICIOUS ANEMIA, JUVENILE, DUE TO SELECTIVE INTESTINAL MALABSORPTION OF VITAMIN B12, WITH PROTEINURIA; Imerslund-Gräsbeck syndrome; ENTEROCYTE COBALAMIN MALABSORPTION; ENTEROCYTE INTRINSIC FACTOR RECEPTOR, DEFECT OF; Megaloblastic anemia due to inborn errors of metabolism. Identifiers: Orphanet 35858, MedGen C4551825, MONDO:0009853.

Allele frequency attached by ClinVar (database versions not stated): gnomAD 0.00002.
gnomAD v4.1: 11 of 1,613,978 alleles (0.00068%); highest among the groups gnomAD compares: Admixed American, 0.013%; no homozygotes.

Submissions (3):

Labcorp Genetics (formerly Invitae), Labcorp
Classification: Pathogenic for Imerslund-Grasbeck syndrome. Last evaluated: 2025-04-01. Review status: criteria provided, single submitter. Criteria: Invitae Variant Classification Sherloc (09022015). Collection method: clinical testing. Allele origin: germline.
Comment: This sequence change creates a premature translational stop signal (p.Glu3538*) in the CUBN gene. It is expected to result in an absent or disrupted protein product. Loss-of-function variants in CUBN are known to be pathogenic (PMID: 15024727, 22929189, 25349199, 31613795, 34979989). This variant is present in population databases (rs756614749, gnomAD 0.02%). This variant has not been reported in the literature in individuals affected with CUBN-related conditions. ClinVar contains an entry for this variant (Variation ID: 1322175). For these reasons, this variant has been classified as Pathogenic.

Fulgent Genetics
Classification: Likely pathogenic for Imerslund-Grasbeck syndrome type 1; Proteinuria, chronic benign. Last evaluated: 2024-01-19. Review status: criteria provided, single submitter. Criteria: ACMG Guidelines, 2015. Collection method: clinical testing. Allele origin: germline.

Revvity Omics, Revvity
Classification: Pathogenic. Last evaluated: 2019-01-29. Review status: criteria provided, single submitter. Criteria: ACMG Guidelines, 2015. Collection method: clinical testing. Allele origin: germline.

Literature cited by the submitters: PubMed 15024727 (cited by Labcorp Genetics (formerly Invitae), Labcorp); PubMed 22929189 (cited by Labcorp Genetics (formerly Invitae), Labcorp); PubMed 25349199 (cited by Labcorp Genetics (formerly Invitae), Labcorp); PubMed 31613795 (cited by Labcorp Genetics (formerly Invitae), Labcorp); PubMed 34979989 (cited by Labcorp Genetics (formerly Invitae), Labcorp).

NM_001081.4(CUBN):c.10612G>T (p.Glu3538Ter)

Gene: CUBN (cubilin; minus strand). Cytogenetic location: 10p13.
Variant type: single nucleotide variant.
Coding change: c.10612G>T on transcript NM_001081.4 (MANE Select); coding-DNA position 10612, G replaced by T.
Protein change: p.Glu3538Ter; replaces glutamic acid 3538 with a stop codon.
Molecular consequence: nonsense.
Genome position (GRCh38, 1-based): chr10:16,828,957, C>A on the plus strand (G>T on the coding strand, the complement: CUBN is on the minus strand). VCF-style: chr10-16828957-C-A. GRCh37 (hg19) VCF-style: chr10-16870956-C-A.
Other names: short protein forms E3538*.
Identifiers: ClinVar variation 1322175 (VCV001322175.8), dbSNP rs756614749, ClinGen allele CA5422333.